The following is an entry in ClinVar:

ClinVar aggregate classification (germline): Likely benign (0 of 4 stars; one submission).

Conditions:
NRP1-related disorder. Also called: NRP1-related condition.

Submission:

PreventionGenetics, part of Exact Sciences
Classification: Likely benign for NRP1-related condition. Last evaluated: 2023-06-20. Review status: no assertion criteria provided. Collection method: clinical testing. Allele origin: germline.
Comment: This variant is classified as likely benign based on ACMG/AMP sequence variant interpretation guidelines (Richards et al. 2015 PMID: 25741868, with internal and published modifications).

NM_003873.7(NRP1):c.1864+10C>T

Gene: NRP1 (neuropilin 1; minus strand). Cytogenetic location: 10p11.22.
Variant type: single nucleotide variant.
Coding change: c.1864+10C>T on transcript NM_003873.7 (MANE Select); 10 bases into the intron after coding-DNA position 1864, C replaced by T.
Molecular consequence: intron variant.
Genome position (GRCh38, 1-based): chr10:33,202,881, G>A on the plus strand (C>T on the coding strand, the complement: NRP1 is on the minus strand). VCF-style: chr10-33202881-G-A. GRCh37 (hg19) VCF-style: chr10-33491809-G-A.
Other names: c.1843+31C>T (NM_001244973.2, NM_001244972.2); c.1864+10C>T (NM_001330068.2, NM_001024628.3); c.1759+4691C>T (NM_001024629.3).
Identifiers: ClinVar variation 3356600 (VCV003356600.1).